The following is an entry in ClinVar:

ClinVar aggregate classification (germline): Uncertain significance. Review status: criteria provided, multiple submitters, no conflicts (2 of 4 stars). 2 submissions from 2 submitters: Uncertain significance (2). Last evaluated 2024-04-16.

Conditions:
Hereditary cancer-predisposing syndrome. Also called: Neoplastic Syndromes, Hereditary; Hereditary Cancer Syndrome; Tumor predisposition; Hereditary neoplastic syndrome. Identifiers: Orphanet 140162, MedGen C0027672, MeSH D009386, MONDO:0015356.

Allele frequency attached by ClinVar (database versions not stated): gnomAD exomes 0.00001; TOPMed 0.00001; ExAC 0.00002.
gnomAD v4.1: 12 of 1,612,252 alleles (0.00074%); highest among the groups gnomAD compares: South Asian, 0.0033%; no homozygotes.

Submissions (2):

Labcorp Genetics (formerly Invitae), Labcorp
Classification: Uncertain significance for Hereditary cancer-predisposing syndrome. Last evaluated: 2024-04-16. Review status: criteria provided, single submitter. Criteria: Invitae Variant Classification Sherloc (09022015). Collection method: clinical testing. Allele origin: germline.
Comment: This sequence change replaces tyrosine, which is neutral and polar, with cysteine, which is neutral and slightly polar, at codon 244 of the RAD50 protein (p.Tyr244Cys). This variant is present in population databases (rs777037448, gnomAD 0.007%). This variant has not been reported in the literature in individuals affected with RAD50-related conditions. ClinVar contains an entry for this variant (Variation ID: 572944). Advanced modeling of protein sequence and biophysical properties (such as structural, functional, and spatial information, amino acid conservation, physicochemical variation, residue mobility, and thermodynamic stability) performed at Invitae indicates that this missense variant is not expected to disrupt RAD50 protein function with a negative predictive value of 80%. RNA analysis performed to evaluate the impact of this missense change on mRNA splicing indicates it does not significantly alter splicing (Invitae). In summary, the available evidence is currently insufficient to determine the role of this variant in disease. Therefore, it has been classified as a Variant of Uncertain Significance.

Ambry Genetics
Classification: Uncertain significance for Hereditary cancer-predisposing syndrome. Last evaluated: 2024-02-10. Review status: criteria provided, single submitter. Criteria: Ambry Variant Classification Scheme 2023. Collection method: clinical testing. Allele origin: germline.
Comment: The p.Y244C variant (also known as c.731A>G), located in coding exon 5 of the RAD50 gene, results from an A to G substitution at nucleotide position 731. The tyrosine at codon 244 is replaced by cysteine, an amino acid with highly dissimilar properties. This amino acid position is not well conserved in available vertebrate species. In addition, this alteration is predicted to be tolerated by in silico analysis. Since supporting evidence is limited at this time, the clinical significance of this alteration remains unclear.

NM_005732.4(RAD50):c.731A>G (p.Tyr244Cys)

Gene: RAD50 (RAD50 double strand break repair protein; plus strand). Cytogenetic location: 5q31.1.
Variant type: single nucleotide variant.
Coding change: c.731A>G on transcript NM_005732.4 (MANE Select); coding-DNA position 731, A replaced by G.
Protein change: p.Tyr244Cys; replaces tyrosine 244 with cysteine.
Molecular consequence: missense variant.
Genome position (GRCh38, 1-based): chr5:132,580,041, A>G. VCF-style: chr5-132580041-A-G. GRCh37 (hg19) VCF-style: chr5-131915733-A-G.
Other names: short protein forms Y244C.
Identifiers: ClinVar variation 572944 (VCV000572944.14), dbSNP rs777037448, ClinGen allele CA3405019.
Genomic context (GRCh38, chr5:132,580,041, plus strand): 5'-GTGATCAGATTACAAGTAAGGAAGCCCAGTTAACATCTTCAAAGGAAATTGTCAAATCCT[A>G]TGAGAATGAACTTGATCCATTGAAGGTAACTTGATTTTATTTTTAATTGACAAAAATTGT-3'
Protein context (NP_005723.2, residues 234-254): LTSSKEIVKS[Tyr244Cys]ENELDPLKNR